The following is an entry in ClinVar:

ClinVar aggregate classification (germline): Uncertain significance (1 of 4 stars; one submission).

Allele frequency attached by ClinVar (database versions not stated): gnomAD exomes below 0.00001.
gnomAD v4.1: 1 of 1,613,850 alleles (0.000062%); highest among the groups gnomAD compares: Middle Eastern, 0.017%; no homozygotes.

Submission:

Labcorp Genetics (formerly Invitae), Labcorp
Classification: Uncertain significance. Last evaluated: 2024-10-25. Review status: criteria provided, single submitter. Criteria: Invitae Variant Classification Sherloc (09022015). Collection method: clinical testing. Allele origin: germline.
Comment: This sequence change replaces serine, which is neutral and polar, with arginine, which is basic and polar, at codon 2616 of the ADGRV1 protein (p.Ser2616Arg). This variant is present in population databases (no rsID available, gnomAD no frequency). This variant has not been reported in the literature in individuals affected with ADGRV1-related conditions. ClinVar contains an entry for this variant (Variation ID: 841038). Invitae Evidence Modeling of protein sequence and biophysical properties (such as structural, functional, and spatial information, amino acid conservation, physicochemical variation, residue mobility, and thermodynamic stability) indicates that this missense variant is not expected to disrupt ADGRV1 protein function with a negative predictive value of 95%. In summary, the available evidence is currently insufficient to determine the role of this variant in disease. Therefore, it has been classified as a Variant of Uncertain Significance.

NM_032119.4(ADGRV1):c.7846A>C (p.Ser2616Arg)

Gene: ADGRV1 (adhesion G protein-coupled receptor V1; plus strand). Cytogenetic location: 5q14.3.
Variant type: single nucleotide variant.
Coding change: c.7846A>C on transcript NM_032119.4 (MANE Select); coding-DNA position 7846, A replaced by C.
Protein change: p.Ser2616Arg; replaces serine 2616 with arginine.
Molecular consequence: missense variant. On other transcripts: non-coding transcript variant (1).
Genome position (GRCh38, 1-based): chr5:90,694,602, A>C. VCF-style: chr5-90694602-A-C. GRCh37 (hg19) VCF-style: chr5-89990419-A-C.
Other names: short protein forms S2616R.
Identifiers: ClinVar variation 841038 (VCV000841038.9), dbSNP rs1274520933, ClinGen allele CA360381923.